The following is an entry in ClinVar:

ClinVar aggregate classification (germline): Uncertain significance (1 of 4 stars; one submission).

gnomAD v4.1: 7 of 1,211,662 alleles (0.00058%); highest among the groups gnomAD compares: Non-Finnish European, 0.00078%; no homozygotes.

Submission:

GeneDx
Classification: Uncertain significance. Last evaluated: 2026-01-25. Review status: criteria provided, single submitter. Criteria: GeneDx Variant Classification Process June 2021. Collection method: clinical testing. Allele origin: germline.
Comment: Not observed at significant frequency in large population cohorts (gnomAD); In silico analysis supports that this missense variant has a deleterious effect on protein structure/function; This variant is associated with the following publications: (PMID: Tambawala2023[CaseReport])

NM_015922.3(NSDHL):c.902A>G (p.Tyr301Cys)

Gene: NSDHL (NAD(P) dependent 3-beta-hydroxysteroid dehydrogenase NSDHL; plus strand). Cytogenetic location: Xq28.
Variant type: single nucleotide variant.
Coding change: c.902A>G on transcript NM_015922.3 (MANE Select); coding-DNA position 902, A replaced by G.
Protein change: p.Tyr301Cys; replaces tyrosine 301 with cysteine.
Molecular consequence: missense variant.
Genome position (GRCh38, 1-based): chrX:152,868,896, A>G. VCF-style: chrX-152868896-A-G. GRCh37 (hg19) VCF-style: chrX-152037440-A-G.
Other names: c.902A>G, p.Tyr301Cys (NM_001129765.2, NM_001441099.1); short protein forms Y301C.
Identifiers: ClinVar variation 4887843 (VCV004887843.1).
Genomic context (GRCh38, chrX:152,868,896, plus strand): 5'-GCATCCTGACAGGCCTCAATTATGAGGCCCCCAAGTACCACATCCCCTACTGGGTGGCCT[A>G]CTACCTGGCCCTCCTGCTATCCCTGCTGGTGATGGTGATCAGTCCTGTCATCCAGCTGCA-3'
Protein context (NP_057006.1, residues 291-311): PKYHIPYWVA[Tyr301Cys]YLALLLSLLV